The following is an entry in ClinVar:

NM_002253.4(KDR):c.2823A>G (p.Lys941=)

Gene: KDR (kinase insert domain receptor; minus strand). Cytogenetic location: 4q12.
Variant type: single nucleotide variant.
Coding change: c.2823A>G on transcript NM_002253.4 (MANE Select); coding-DNA position 2823, A replaced by G.
Protein change: p.Lys941=; no amino-acid change (lysine 941 retained).
Molecular consequence: synonymous variant.
Genome position (GRCh38, 1-based): chr4:55,094,950, T>C on the plus strand (A>G on the coding strand, the complement: KDR is on the minus strand). VCF-style: chr4-55094950-T-C. GRCh37 (hg19) VCF-style: chr4-55961117-T-C.
Identifiers: ClinVar variation 3046459 (VCV003046459.2), dbSNP rs772654881, ClinGen allele CA2924292.
Genomic context (GRCh38, chr4:55,094,950, plus strand): 5'-CCGTTTCAGATCCACAGGGATTGCTCCAACGTAGTCTTTCCCTTGACGGAATCGTGCCCC[T>C]TTGGTCTATAAAAAAGCAAAGGAACAAACAAACTCCTTGAATACAAAATGAGTCTTTAAA-3'
Protein context (NP_002244.1, residues 931-951): KRNEFVPYKT[Lys941=]GARFRQGKDY

ClinVar aggregate classification (germline): Likely benign (0 of 4 stars; one submission).

Conditions:
KDR-related disorder. Also called: KDR-related condition.

Allele frequency attached by ClinVar (database versions not stated): ExAC 0.00001; gnomAD exomes 0.00001; TOPMed 0.00003.
gnomAD v4.1: 8 of 1,613,860 alleles (0.0005%); highest among the groups gnomAD compares: Admixed American, 0.013%; no homozygotes.

Submission:

PreventionGenetics, part of Exact Sciences
Classification: Likely benign for KDR-related condition. Last evaluated: 2019-04-10. Review status: no assertion criteria provided. Collection method: clinical testing. Allele origin: germline.
Comment: This variant is classified as likely benign based on ACMG/AMP sequence variant interpretation guidelines (Richards et al. 2015 PMID: 25741868, with internal and published modifications).